The following is an entry in ClinVar:

NM_002661.5(PLCG2):c.46A>G (p.Ser16Gly)

Gene: PLCG2 (phospholipase C gamma 2; plus strand). Cytogenetic location: 16q23.3.
Variant type: single nucleotide variant.
Coding change: c.46A>G on transcript NM_002661.5 (MANE Select); coding-DNA position 46, A replaced by G.
Protein change: p.Ser16Gly; replaces serine 16 with glycine.
Molecular consequence: missense variant.
Genome position (GRCh38, 1-based): chr16:81,786,035, A>G. VCF-style: chr16-81786035-A-G. GRCh37 (hg19) VCF-style: chr16-81819640-A-G.
Other names: c.46A>G, p.Ser16Gly (NM_001425749.1, NM_001425750.1, NM_001425751.1); short protein forms S16G.
Identifiers: ClinVar variation 2843935 (VCV002843935.3), dbSNP rs764524085, ClinGen allele CA8193010.
Genomic context (GRCh38, chr16:81,786,035, plus strand): 5'-CTGGAGCGGCCGACAATGTCCACCACGGTCAATGTAGATTCCCTTGCGGAATATGAGAAG[A>G]GCCAGATCAAGAGAGCCCTGGAGCTGGGGACGGTGATGACTGTGTTCAGCTTCCGCAAGT-3'
Protein context (NP_002652.2, residues 6-26): NVDSLAEYEK[Ser16Gly]QIKRALELGT

ClinVar aggregate classification (germline): Uncertain significance (1 of 4 stars; one submission).

Conditions:
Familial cold autoinflammatory syndrome 3 (FCAS3). Also called: FAMILIAL ATYPICAL COLD URTICARIA; ANTIBODY DEFICIENCY AND IMMUNE DYSREGULATION, PLCG2-ASSOCIATED. Identifiers: Orphanet 300359, MedGen C3280914, MONDO:0013766, OMIM 614468.

Allele frequency attached by ClinVar (database versions not stated): gnomAD exomes below 0.00001; TOPMed below 0.00001; ExAC 0.00001; gnomAD 0.00001.
gnomAD v4.1: 5 of 1,614,090 alleles (0.00031%); highest among the groups gnomAD compares: South Asian, 0.0011%; no homozygotes.

Submission:

Labcorp Genetics (formerly Invitae), Labcorp
Classification: Uncertain significance for Familial cold autoinflammatory syndrome 3. Last evaluated: 2023-03-08. Review status: criteria provided, single submitter. Criteria: Invitae Variant Classification Sherloc (09022015). Collection method: clinical testing. Allele origin: germline.
Comment: This sequence change replaces serine, which is neutral and polar, with glycine, which is neutral and non-polar, at codon 16 of the PLCG2 protein (p.Ser16Gly). This variant is present in population databases (rs764524085, gnomAD 0.0009%). This variant has not been reported in the literature in individuals affected with PLCG2-related conditions. An algorithm developed to predict the effect of missense changes on protein structure and function (PolyPhen-2) suggests that this variant is likely to be disruptive. In summary, the available evidence is currently insufficient to determine the role of this variant in disease. Therefore, it has been classified as a Variant of Uncertain Significance.